The following is an entry in ClinVar:

NM_001458.5(FLNC):c.5165G>T (p.Gly1722Val)

Gene: FLNC (filamin C; plus strand). Cytogenetic location: 7q32.1.
Variant type: single nucleotide variant.
Coding change: c.5165G>T on transcript NM_001458.5 (MANE Select); coding-DNA position 5165, G replaced by T.
Protein change: p.Gly1722Val; replaces glycine 1722 with valine.
Molecular consequence: missense variant.
Genome position (GRCh38, 1-based): chr7:128,849,544, G>T. VCF-style: chr7-128849544-G-T. GRCh37 (hg19) VCF-style: chr7-128489598-G-T.
Other names: c.5165G>T, p.Gly1722Val (NM_001127487.2); short protein forms G1722V.
Identifiers: ClinVar variation 2580070 (VCV002580070.1), dbSNP rs775405275, ClinGen allele CA369204318.
Genomic context (GRCh38, chr7:128,849,544, plus strand): 5'-TTGACATCTACTACACAGCGCCCGAGCCGGGCAAGTACGTCATCACCATCCGCTTCGGGG[G>T]TGAGCACATCCCCAACAGCCCCTTCCACGTGCTGGTAAGTTCTGTAGCCACAGCAAGACT-3'
Protein context (NP_001449.3, residues 1712-1732): GKYVITIRFG[Gly1722Val]EHIPNSPFHV

ClinVar aggregate classification (germline): Uncertain significance (1 of 4 stars; one submission).

Submission:

GeneDx
Classification: Uncertain significance. Last evaluated: 2023-03-15. Review status: criteria provided, single submitter. Criteria: GeneDx Variant Classification Process June 2021. Collection method: clinical testing. Allele origin: germline. Affected: yes.
Comment: Not observed at significant frequency in large population cohorts (gnomAD); In silico analysis is inconclusive as to whether the variant alters gene splicing. In the absence of RNA/functional studies, the actual effect of this sequence change is unknown.; In silico analysis supports that this missense variant has a deleterious effect on protein structure/function; Has not been previously published as pathogenic or benign to our knowledge